The following is an entry in ClinVar:

NM_001170629.2(CHD8):c.4051del (p.Thr1351fs)

Gene: CHD8 (chromodomain helicase DNA binding protein 8; minus strand). Cytogenetic location: 14q11.2.
Variant type: Deletion.
Coding change: c.4051del on transcript NM_001170629.2 (MANE Select); coding-DNA position 4051, one base deleted (A; older notation c.4051delA).
Protein change: p.Thr1351fs; shifts the reading frame from threonine 1351.
Molecular consequence: frameshift variant.
Genome position (GRCh38, 1-based): chr14:21,401,968, T deleted on the plus strand (A on the coding strand, the reverse complement: CHD8 is on the minus strand). VCF-style (leftmost placement, unchanged base first): chr14-21401967-GT-G. GRCh37 (hg19) VCF-style: chr14-21870126-GT-G.
Other names: c.3214del, p.Thr1072fs (NM_020920.4); short protein forms T1072fs, T1351fs.
Identifiers: ClinVar variation 4891078 (VCV004891078.1).

ClinVar aggregate classification (germline): Pathogenic (1 of 4 stars; one submission).

Conditions:
Intellectual developmental disorder with autism and macrocephaly. Also called: Autism, susceptibility to, 18; CHD8-Related Neurodevelopmental Disorder with Overgrowth. Identifiers: Orphanet 642675, MedGen C3554373, MONDO:0014017, OMIM 615032.

Submission:

Greenwood Genetic Center Diagnostic Laboratories, Greenwood Genetic Center
Classification: Pathogenic for Intellectual developmental disorder with autism and macrocephaly. Last evaluated: 2026-05-15. Review status: criteria provided, single submitter. Criteria: ACMG Guidelines, 2015. Collection method: clinical testing. Allele origin: germline. Affected: yes.
Comment: PVS1, PS2, PM2